The following is an entry in ClinVar:

ClinVar aggregate classification (germline): Uncertain significance (1 of 4 stars; one submission).

Submission:

Dasa
Classification: Uncertain significance. Last evaluated: 2026-01-21. Review status: criteria provided, single submitter. Criteria: DASA Assertion Criteria. Collection method: clinical testing. Allele origin: germline.
Comment: NM_003470.3(USP7):c.2820-7T>C is a splice-region variant. This variant is rare in population databases. Computational prediction algorithms are consistent with a benign effect. The currently available literature and clinical evidence are not sufficient to establish a definitive association between this variant and the reported condition. Therefore, this variant is classified as a variant of uncertain significance.

NM_003470.3(USP7):c.2820-7T>C

Gene: USP7 (ubiquitin specific peptidase 7; minus strand). Cytogenetic location: 16p13.2.
Variant type: single nucleotide variant.
Coding change: c.2820-7T>C on transcript NM_003470.3 (MANE Select); 7 bases into the intron before coding-DNA position 2820, T replaced by C.
Molecular consequence: intron variant.
Genome position (GRCh38, 1-based): chr16:8,895,748, A>G on the plus strand (T>C on the coding strand, the complement: USP7 is on the minus strand). VCF-style: chr16-8895748-A-G. GRCh37 (hg19) VCF-style: chr16-8989605-A-G.
Other names: c.2646-7T>C (NM_001321858.2); c.2772-7T>C (NM_001286457.2); c.2523-7T>C (NM_001286458.2).
Identifiers: ClinVar variation 4885915 (VCV004885915.2).